The following is an entry in ClinVar:

NM_000238.4(KCNH2):c.2435A>G (p.Tyr812Cys)

Gene: KCNH2 (potassium voltage-gated channel subfamily H member 2; minus strand). Cytogenetic location: 7q36.1.
Variant type: single nucleotide variant.
Coding change: c.2435A>G on transcript NM_000238.4 (MANE Select); coding-DNA position 2435, A replaced by G.
Protein change: p.Tyr812Cys; replaces tyrosine 812 with cysteine.
Molecular consequence: missense variant.
Genome position (GRCh38, 1-based): chr7:150,949,013, T>C on the plus strand (A>G on the coding strand, the complement: KCNH2 is on the minus strand). VCF-style: chr7-150949013-T-C. GRCh37 (hg19) VCF-style: chr7-150646101-T-C.
Other names: c.2147A>G, p.Tyr716Cys (NM_001406753.1); c.1415A>G, p.Tyr472Cys (NM_172057.3); short protein forms Y472C, Y716C, Y812C.
Identifiers: ClinVar variation 1791212 (VCV001791212.3), dbSNP rs1403242457, ClinGen allele CA369855314.

ClinVar aggregate classification (germline): Uncertain significance. Review status: criteria provided, multiple submitters, no conflicts (2 of 4 stars). 2 submissions from 2 submitters: Uncertain significance (2). Last evaluated 2023-08-15.

Conditions:
Cardiovascular phenotype. Identifiers: MedGen CN230736.
Long QT syndrome (LQTS). Identifiers: MedGen C0023976, MeSH D008133, MONDO:0002442. Disease mechanism: loss of function. Inheritance: Various modes of inheritance.

Allele frequency attached by ClinVar (database versions not stated): TOPMed below 0.00001.

Submissions (2):

All of Us Research Program, National Institutes of Health
Classification: Uncertain significance for Long QT syndrome. Last evaluated: 2023-08-15. Review status: criteria provided, single submitter. Criteria: ACMG Guidelines, 2015. Collection method: clinical testing. Allele origin: germline. Inheritance: Autosomal dominant inheritance. Observed: 2 variant alleles, 2 heterozygotes.
Comment: This missense variant replaces tyrosine with cysteine at codon 812 of the KCNH2 protein. Computational prediction suggests that this variant may have deleterious impact on protein structure and function (internally defined REVEL score threshold >= 0.7, PMID: 27666373). To our knowledge, functional studies have not been reported for this variant. This variant has not been reported in individuals affected with KCNH2-related disorders in the literature. This variant has not been identified in the general population by the Genome Aggregation Database (gnomAD). The available evidence is insufficient to determine the role of this variant in disease conclusively. Therefore, this variant is classified as a Variant of Uncertain Significance.

This study involves interpretation of variants in research participants for the purpose of population health screening. Participant phenotype was not available at the time of variant classification. Additional details can be found in publication PMID: 35346344, PMCID: PMC8962531

Ambry Genetics
Classification: Uncertain significance for Cardiovascular phenotype. Last evaluated: 2020-03-17. Review status: criteria provided, single submitter. Criteria: Ambry Variant Classification Scheme 2023. Collection method: clinical testing. Allele origin: germline.
Comment: The p.Y812C variant (also known as c.2435A>G), located in coding exon 10 of the KCNH2 gene, results from an A to G substitution at nucleotide position 2435. The tyrosine at codon 812 is replaced by cysteine, an amino acid with highly dissimilar properties. This amino acid position is well conserved in available vertebrate species. In addition, this alteration is predicted to be deleterious by in silico analysis. Since supporting evidence is limited at this time, the clinical significance of this alteration remains unclear.